The following is an entry in ClinVar:

ClinVar aggregate classification (germline): Likely pathogenic. Review status: criteria provided, multiple submitters, no conflicts (2 of 4 stars). 2 submissions from 2 submitters: Likely pathogenic (2). Last evaluated 2025-06-02.

Conditions:
Weaver syndrome (WVS). Also called: Weaver Smith syndrome; Overgrowth syndrome with accelerated skeletal maturation, unusual facies, and camptodactyly. Identifiers: Orphanet 3447, MedGen C0265210, MONDO:0010193, OMIM 277590.

Submissions (2):

GeneDx
Classification: Likely pathogenic. Last evaluated: 2025-06-02. Review status: criteria provided, single submitter. Criteria: GeneDx Variant Classification Process June 2021. Collection method: clinical testing. Allele origin: germline. Affected: yes.
Comment: Not observed at significant frequency in large population cohorts (gnomAD); In silico analysis supports that this missense variant has a deleterious effect on protein structure/function; Has not been previously published as pathogenic or benign germline variant to our knowledge; This variant is associated with the following publications: (PMID: 39079797, 24214728)

North West Genomic Laboratory Hub, Manchester University NHS Foundation Trust
Classification: Likely pathogenic for Weaver syndrome. Last evaluated: 2022-07-30. Review status: criteria provided, single submitter. Criteria: ACMG Guidelines, 2015. Collection method: clinical testing. Allele origin: germline. Affected: yes.
Comment: Criteria Codes: PM1 PM2 PP3 PP4

Literature cited by the submitters: PubMed 24214728 (cited by North West Genomic Laboratory Hub, Manchester University NHS Foundation Trust).

NM_004456.5(EZH2):c.2035G>C (p.Val679Leu)

Gene: EZH2 (enhancer of zeste 2 polycomb repressive complex 2 subunit; minus strand). Cytogenetic location: 7q36.1.
Variant type: single nucleotide variant.
Coding change: c.2035G>C on transcript NM_004456.5 (MANE Select); coding-DNA position 2035, G replaced by C.
Protein change: p.Val679Leu; replaces valine 679 with leucine.
Molecular consequence: missense variant.
Genome position (GRCh38, 1-based): chr7:148,809,385, C>G on the plus strand (G>C on the coding strand, the complement: EZH2 is on the minus strand). VCF-style: chr7-148809385-C-G. GRCh37 (hg19) VCF-style: chr7-148506477-C-G.
Other names: c.2020G>C, p.Val674Leu (NM_001203247.2); c.1993G>C, p.Val665Leu (NM_001203248.2); c.1867G>C, p.Val623Leu (NM_001203249.2); c.1903G>C, p.Val635Leu (NM_152998.3); short protein forms V623L, V635L, V665L, V674L, V679L.
Identifiers: ClinVar variation 3075661 (VCV003075661.2), dbSNP rs1321951994, ClinGen allele CA369712384.